The following is an entry in ClinVar:

NM_015213.4(DENND5A):c.843A>G (p.Leu281=)

Gene: DENND5A (DENN domain containing 5A; minus strand). Cytogenetic location: 11p15.4.
Variant type: single nucleotide variant.
Coding change: c.843A>G on transcript NM_015213.4 (MANE Select); coding-DNA position 843, A replaced by G.
Protein change: p.Leu281=; no amino-acid change (leucine 281 retained).
Molecular consequence: synonymous variant. On other transcripts: non-coding transcript variant (1).
Genome position (GRCh38, 1-based): chr11:9,203,766, T>C on the plus strand (A>G on the coding strand, the complement: DENND5A is on the minus strand). VCF-style: chr11-9203766-T-C. GRCh37 (hg19) VCF-style: chr11-9225313-T-C.
Other names: c.843A>G, p.Leu281= (NM_001243254.2, NM_001348748.1); c.771A>G, p.Leu257= (NM_001348749.2); c.555A>G, p.Leu185= (NM_001348750.2).
Identifiers: ClinVar variation 2171238 (VCV002171238.9), dbSNP rs762884904, ClinGen allele CA5877747.

ClinVar aggregate classification (germline): Likely benign. Review status: criteria provided, multiple submitters, no conflicts (2 of 4 stars). 3 submissions from 3 submitters: Likely benign (3). Last evaluated 2026-02-01.

Allele frequency attached by ClinVar (database versions not stated): gnomAD exomes 0.00001; ExAC 0.00002; TOPMed 0.00003.
gnomAD v4.1: 20 of 1,614,136 alleles (0.0012%); highest among the groups gnomAD compares: Admixed American, 0.0033%; no homozygotes.

Submissions (3):

CeGaT Center for Human Genetics Tuebingen
Classification: Likely benign. Last evaluated: 2026-02-01. Review status: criteria provided, single submitter. Criteria: CeGaT Center For Human Genetics Tuebingen Variant Classification Criteria Version 2. Collection method: clinical testing. Allele origin: germline. Affected: yes. Observed: 1 variant allele.
Comment: DENND5A: BP4, BP7

Labcorp Genetics (formerly Invitae), Labcorp
Classification: Likely benign. Last evaluated: 2025-11-24. Review status: criteria provided, single submitter. Criteria: Invitae Variant Classification Sherloc (09022015). Collection method: clinical testing. Allele origin: germline.

Blueprint Genetics
Classification: Likely benign. Last evaluated: 2023-12-18. Review status: criteria provided, single submitter. Criteria: ACMG Guidelines, 2015. Collection method: clinical testing. Allele origin: germline.